The following is an entry in ClinVar:

ClinVar aggregate classification (germline): Benign/Likely benign. Review status: criteria provided, multiple submitters, no conflicts (2 of 4 stars). 4 submissions from 4 submitters: Benign (1); Likely benign (3). Last evaluated 2025-12-22.

Allele frequency attached by ClinVar (database versions not stated): ESP Exome Variant Server 0.00008; ExAC 0.00011; gnomAD 0.00011; gnomAD exomes 0.00011 and 0.00019; TOPMed 0.00013.
gnomAD v4.1: 292 of 1,613,894 alleles (0.018%); highest among the groups gnomAD compares: Non-Finnish European, 0.023%; no homozygotes.

Submissions (4):

Labcorp Genetics (formerly Invitae), Labcorp
Classification: Likely benign. Last evaluated: 2025-12-22. Review status: criteria provided, single submitter. Criteria: Invitae Variant Classification Sherloc (09022015). Collection method: clinical testing. Allele origin: germline.

Blueprint Genetics
Classification: Likely benign. Last evaluated: 2024-05-22. Review status: criteria provided, single submitter. Criteria: ACMG Guidelines, 2015. Collection method: clinical testing. Allele origin: germline.

CeGaT Center for Human Genetics Tuebingen
Classification: Likely benign. Last evaluated: 2023-08-01. Review status: criteria provided, single submitter. Criteria: CeGaT Center For Human Genetics Tuebingen Variant Classification Criteria Version 2. Collection method: clinical testing. Allele origin: germline. Affected: yes. Observed: 1 variant allele.
Comment: CTNNB1: BP4, BP7

GeneDx
Classification: Benign. Last evaluated: 2020-03-11. Review status: criteria provided, single submitter. Criteria: GeneDx Variant Classification Process June 2021. Collection method: clinical testing. Allele origin: germline. Affected: yes.

NM_001904.4(CTNNB1):c.633T>C (p.Ala211=)

Genes: CTNNB1 (catenin beta 1; plus strand), LOC126806658 (BRD4-independent group 4 enhancer GRCh37_chr3:41265899-41267098; plus strand). Cytogenetic location: 3p22.1.
Variant type: single nucleotide variant.
Coding change: c.633T>C on transcript NM_001904.4 (MANE Select); coding-DNA position 633, T replaced by C.
Protein change: p.Ala211=; no amino-acid change (alanine 211 retained).
Molecular consequence: synonymous variant.
Genome position (GRCh38, 1-based): chr3:41,225,471, T>C. VCF-style: chr3-41225471-T-C. GRCh37 (hg19) VCF-style: chr3-41266962-T-C.
Other names: c.633T>C, p.Ala211= (NM_001098209.2, NM_001098210.2); c.612T>C, p.Ala204= (NM_001330729.2).
Identifiers: ClinVar variation 1253716 (VCV001253716.36), dbSNP rs148600849, ClinGen allele CA2330953.